The following is an entry in ClinVar:

ClinVar aggregate classification (germline): Uncertain significance (1 of 4 stars; one submission).

Conditions:
Cardiovascular phenotype. Identifiers: MedGen CN230736.

Submission:

Ambry Genetics
Classification: Uncertain significance for Cardiovascular phenotype. Last evaluated: 2025-11-16. Review status: criteria provided, single submitter. Criteria: Ambry Variant Classification Scheme 2023. Collection method: clinical testing. Allele origin: germline.
Comment: The p.G1050E variant (also known as c.3149G>A), located in coding exon 21 of the ABCA1 gene, results from a G to A substitution at nucleotide position 3149. The glycine at codon 1050 is replaced by glutamic acid, an amino acid with similar properties. This amino acid position is conserved. In addition, this alteration is predicted to be deleterious by in silico analysis. Based on the available evidence, the clinical significance of this variant remains unclear.

NM_005502.4(ABCA1):c.3149G>A (p.Gly1050Glu)

Gene: ABCA1 (ATP binding cassette subfamily A member 1; minus strand). Cytogenetic location: 9q31.1.
Variant type: single nucleotide variant.
Coding change: c.3149G>A on transcript NM_005502.4 (MANE Select); coding-DNA position 3149, G replaced by A.
Protein change: p.Gly1050Glu; replaces glycine 1050 with glutamic acid.
Molecular consequence: missense variant.
Genome position (GRCh38, 1-based): chr9:104,819,678, C>T on the plus strand (G>A on the coding strand, the complement: ABCA1 is on the minus strand). VCF-style: chr9-104819678-C-T. GRCh37 (hg19) VCF-style: chr9-107581959-C-T.
Other names: short protein forms G1050E.
Identifiers: ClinVar variation 4613267 (VCV004613267.1).